The following is an entry in ClinVar:

ClinVar aggregate classification (germline): Uncertain significance (1 of 4 stars; one submission).

gnomAD v4.1: 3 of 1,568,466 alleles (0.00019%); highest among the groups gnomAD compares: Non-Finnish European, 0.00026%; no homozygotes.

Submission:

Mayo Clinic Laboratories, Mayo Clinic
Classification: Uncertain significance. Last evaluated: 2025-09-22. Review status: criteria provided, single submitter. Criteria: ACMG Guidelines, 2015. Collection method: clinical testing. Allele origin: germline. Observed: 1 variant allele.
Comment: BP4_moderate, PM2_supporting

NM_001365276.2(TNXB):c.1636G>C (p.Asp546His)

Gene: TNXB (tenascin XB; minus strand). Cytogenetic location: 6p21.33.
Variant type: single nucleotide variant.
Coding change: c.1636G>C on transcript NM_001365276.2 (MANE Select); coding-DNA position 1636, G replaced by C.
Protein change: p.Asp546His; replaces aspartic acid 546 with histidine.
Molecular consequence: missense variant.
Genome position (GRCh38, 1-based): chr6:32,096,217, C>G on the plus strand (G>C on the coding strand, the complement: TNXB is on the minus strand). VCF-style: chr6-32096217-C-G. GRCh37 (hg19) VCF-style: chr6-32063994-C-G.
Other names: p.Asp546His; c.1636G>C, p.Asp546His (NM_001428335.1, NM_019105.8); short protein forms D546H.
Identifiers: ClinVar variation 4541147 (VCV004541147.1).